The following is an entry in ClinVar:

NM_002979.5(SCP2):c.901G>A (p.Val301Ile)

Gene: SCP2 (sterol carrier protein 2; plus strand). Cytogenetic location: 1p32.3.
Variant type: single nucleotide variant.
Coding change: c.901G>A on transcript NM_002979.5 (MANE Select); coding-DNA position 901, G replaced by A.
Protein change: p.Val301Ile; replaces valine 301 with isoleucine.
Molecular consequence: missense variant.
Genome position (GRCh38, 1-based): chr1:52,980,471, G>A. VCF-style: chr1-52980471-G-A. GRCh37 (hg19) VCF-style: chr1-53446143-G-A.
Other names: c.769G>A, p.Val257Ile (NM_001007098.3, NM_001193600.2); c.829G>A, p.Val277Ile (NM_001193599.2); c.658G>A, p.Val220Ile (NM_001193617.2); c.901G>A, p.Val301Ile (NM_001330587.2); c.901G>A (NM_002979.4); short protein forms V220I, V257I, V277I, V301I.
Identifiers: ClinVar variation 1517190 (VCV001517190.8), dbSNP rs374102289, ClinGen allele CA857251.

ClinVar aggregate classification (germline): Uncertain significance. Review status: criteria provided, multiple submitters, no conflicts (2 of 4 stars). 2 submissions from 2 submitters: Uncertain significance (2). Last evaluated 2026-03-05.

Conditions:
SCP2-related disorder. Also called: SCP2-related condition.

Allele frequency attached by ClinVar (database versions not stated): ESP Exome Variant Server 0.00008.
gnomAD v4.1: 43 of 1,613,564 alleles (0.0027%); highest among the groups gnomAD compares: South Asian, 0.016%; no homozygotes.

Submissions (2):

PreventionGenetics, part of Exact Sciences
Classification: Uncertain significance for SCP2-related condition. Last evaluated: 2026-03-05. Review status: criteria provided, single submitter. Criteria: ACMG Guidelines, 2015. Collection method: clinical testing. Allele origin: germline.
Comment: The SCP2 c.901G>A variant is predicted to result in the amino acid substitution p.Val301Ile. To our knowledge, this variant has not been reported in the literature. This variant is reported in 0.030% of alleles in individuals of Ashkenazi Jewish descent in gnomAD. At this time, the clinical significance of this variant is uncertain due to the absence of conclusive functional and genetic evidence.

Labcorp Genetics (formerly Invitae), Labcorp
Classification: Uncertain significance. Last evaluated: 2023-11-27. Review status: criteria provided, single submitter. Criteria: Invitae Variant Classification Sherloc (09022015). Collection method: clinical testing. Allele origin: germline.
Comment: This sequence change replaces valine, which is neutral and non-polar, with isoleucine, which is neutral and non-polar, at codon 301 of the SCP2 protein (p.Val301Ile). This variant is present in population databases (rs374102289, gnomAD 0.03%). This variant has not been reported in the literature in individuals affected with SCP2-related conditions. ClinVar contains an entry for this variant (Variation ID: 1517190). An algorithm developed to predict the effect of missense changes on protein structure and function (PolyPhen-2) suggests that this variant is likely to be disruptive. In summary, the available evidence is currently insufficient to determine the role of this variant in disease. Therefore, it has been classified as a Variant of Uncertain Significance.